The following is an entry in ClinVar:

ClinVar aggregate classification (germline): Uncertain significance (1 of 4 stars; one submission).

Submission:

Ambry Genetics
Classification: Uncertain significance. Last evaluated: 2025-08-31. Review status: criteria provided, single submitter. Criteria: Ambry Variant Classification Scheme 2023. Collection method: clinical testing. Allele origin: germline.
Comment: The p.E195A variant (also known as c.584A>C), located in coding exon 5 of the PKP4 gene, results from an A to C substitution at nucleotide position 584. The glutamic acid at codon 195 is replaced by alanine, an amino acid with dissimilar properties. This amino acid position is conserved. In addition, the in silico prediction for this alteration is inconclusive. Based on the available evidence, the clinical significance of this variant remains unclear.

NM_003628.6(PKP4):c.584A>C (p.Glu195Ala)

Gene: PKP4 (plakophilin 4; plus strand). Cytogenetic location: 2q24.1.
Variant type: single nucleotide variant.
Coding change: c.584A>C on transcript NM_003628.6 (MANE Select); coding-DNA position 584, A replaced by C.
Protein change: p.Glu195Ala; replaces glutamic acid 195 with alanine.
Molecular consequence: missense variant. On other transcripts: 5 prime UTR variant (1).
Genome position (GRCh38, 1-based): chr2:158,621,402, A>C. VCF-style: chr2-158621402-A-C. GRCh37 (hg19) VCF-style: chr2-159477914-A-C.
Other names: c.584A>C, p.Glu195Ala (NM_001005476.4, NM_001304969.3, NM_001304971.2 and 6 more transcripts); c.-366A>C (NM_001304970.3); c.578A>C, p.Glu193Ala (NM_001377222.1, NM_001377223.1, NM_001377224.1); short protein forms E193A, E195A.
Identifiers: ClinVar variation 2543679 (VCV002543679.3), dbSNP rs2529579013, ClinGen allele CA348904752.